The following is an entry in ClinVar:

NM_021831.6(AGBL5):c.10C>T (p.Arg4Cys)

Gene: AGBL5 (AGBL carboxypeptidase 5; plus strand). Cytogenetic location: 2p23.3.
Variant type: single nucleotide variant.
Coding change: c.10C>T on transcript NM_021831.6 (MANE Select); coding-DNA position 10, C replaced by T.
Protein change: p.Arg4Cys; replaces arginine 4 with cysteine.
Molecular consequence: missense variant. On other transcripts: non-coding transcript variant (2).
Genome position (GRCh38, 1-based): chr2:27,052,968, C>T. VCF-style: chr2-27052968-C-T. GRCh37 (hg19) VCF-style: chr2-27275836-C-T.
Other names: c.10C>T, p.Arg4Cys (NM_001035507.3); short protein forms R4C.
Identifiers: ClinVar variation 1060630 (VCV001060630.9), dbSNP rs751461917, ClinGen allele CA1567528.

ClinVar aggregate classification (germline): Uncertain significance (1 of 4 stars; one submission).

Allele frequency attached by ClinVar (database versions not stated): gnomAD exomes below 0.00001 and 0.00001.
gnomAD v4.1: 7 of 1,605,322 alleles (0.00044%); highest among the groups gnomAD compares: Non-Finnish European, 0.0006%; no homozygotes.

Submission:

Labcorp Genetics (formerly Invitae), Labcorp
Classification: Uncertain significance. Last evaluated: 2020-04-21. Review status: criteria provided, single submitter. Criteria: Invitae Variant Classification Sherloc (09022015). Collection method: clinical testing. Allele origin: germline.
Comment: In summary, the available evidence is currently insufficient to determine the role of this variant in disease. Therefore, it has been classified as a Variant of Uncertain Significance. Algorithms developed to predict the effect of missense changes on protein structure and function are either unavailable or do not agree on the potential impact of this missense change (SIFT: "Deleterious"; PolyPhen-2: "Benign"; Align-GVGD: "Class C0"). This variant has not been reported in the literature in individuals with AGBL5-related conditions. The frequency data for this variant in the population databases is considered unreliable, as metrics indicate poor data quality at this position in the ExAC database. This sequence change replaces arginine with cysteine at codon 4 of the AGBL5 protein (p.Arg4Cys). The arginine residue is highly conserved and there is a large physicochemical difference between arginine and cysteine.